The following is an entry in ClinVar:

ClinVar aggregate classification (germline): Uncertain significance (1 of 4 stars; one submission).

Conditions:
Hereditary cancer-predisposing syndrome. Also called: Tumor predisposition; Neoplastic Syndromes, Hereditary; Hereditary Cancer Syndrome; Hereditary neoplastic syndrome. Identifiers: Orphanet 140162, MedGen C0027672, MeSH D009386, MONDO:0015356.

Submission:

Ambry Genetics
Classification: Uncertain significance for Hereditary cancer-predisposing syndrome. Last evaluated: 2024-11-02. Review status: criteria provided, single submitter. Criteria: Ambry Variant Classification Scheme 2023. Collection method: clinical testing. Allele origin: germline.
Comment: The p.G397R variant (also known as c.1189G>A), located in coding exon 5 of the BLM gene, results from a G to A substitution at nucleotide position 1189. The glycine at codon 397 is replaced by arginine, an amino acid with dissimilar properties. This amino acid position is conserved. In addition, this alteration is predicted to be deleterious by in silico analysis. Based on the available evidence, the clinical significance of this variant remains unclear.

NM_000057.4(BLM):c.1189G>A (p.Gly397Arg)

Gene: BLM (BLM RecQ like helicase; plus strand). Cytogenetic location: 15q26.1.
Variant type: single nucleotide variant.
Coding change: c.1189G>A on transcript NM_000057.4 (MANE Select); coding-DNA position 1189, G replaced by A.
Protein change: p.Gly397Arg; replaces glycine 397 with arginine.
Molecular consequence: missense variant.
Genome position (GRCh38, 1-based): chr15:90,760,248, G>A. VCF-style: chr15-90760248-G-A. GRCh37 (hg19) VCF-style: chr15-91303478-G-A.
Other names: c.1189G>A, p.Gly397Arg (NM_001287246.2, NM_001287247.2); c.64G>A, p.Gly22Arg (NM_001287248.2); short protein forms G22R, G397R.
Identifiers: ClinVar variation 3480894 (VCV003480894.1).